The following is an entry in ClinVar:

NM_020831.6(MRTFA):c.2206C>G (p.Pro736Ala)

Gene: MRTFA (myocardin related transcription factor A; minus strand). Cytogenetic location: 22q13.1.
Variant type: single nucleotide variant.
Coding change: c.2206C>G on transcript NM_020831.6 (MANE Select); coding-DNA position 2206, C replaced by G.
Protein change: p.Pro736Ala; replaces proline 736 with alanine.
Molecular consequence: missense variant.
Genome position (GRCh38, 1-based): chr22:40,418,532, G>C on the plus strand (C>G on the coding strand, the complement: MRTFA is on the minus strand). VCF-style: chr22-40418532-G-C. GRCh37 (hg19) VCF-style: chr22-40814536-G-C.
Other names: c.1906C>G, p.Pro636Ala (NM_001282660.2); c.2056C>G, p.Pro686Ala (NM_001282661.3); c.2206C>G, p.Pro736Ala (NM_001282662.3); c.2011C>G, p.Pro671Ala (NM_001318139.2); short protein forms P686A, P736A, P671A, P636A.
Identifiers: ClinVar variation 4699909 (VCV004699909.1).

ClinVar aggregate classification (germline): Uncertain significance (1 of 4 stars; one submission).

Submission:

Labcorp Genetics (formerly Invitae), Labcorp
Classification: Uncertain significance. Last evaluated: 2025-12-15. Review status: criteria provided, single submitter. Criteria: Invitae Variant Classification Sherloc (09022015). Collection method: clinical testing. Allele origin: germline.
Comment: This sequence change replaces proline, which is neutral and non-polar, with alanine, which is neutral and non-polar, at codon 636 of the MKL1 protein (p.Pro636Ala). This variant is not present in population databases (gnomAD no frequency). This variant has not been reported in the literature in individuals affected with MKL1-related conditions. An algorithm developed to predict the effect of missense changes on protein structure and function (PolyPhen-2) suggests that this variant is likely to be tolerated. In summary, the available evidence is currently insufficient to determine the role of this variant in disease. Therefore, it has been classified as a Variant of Uncertain Significance.